The following is an entry in ClinVar:

ClinVar aggregate classification (germline): Uncertain significance. Review status: criteria provided, multiple submitters, no conflicts (2 of 4 stars). 3 submissions from 3 submitters: Uncertain significance (3). Last evaluated 2025-03-08.

Conditions:
Familial cancer of breast. Also called: BREAST CANCER, FAMILIAL; Hereditary breast cancer; hereditary breast carcinoma. Identifiers: Orphanet 227535, MedGen C0346153, MONDO:0016419, OMIM 114480. Disease mechanism: loss of function.
Hereditary cancer-predisposing syndrome. Also called: Neoplastic Syndromes, Hereditary; Tumor predisposition; Hereditary Cancer Syndrome; Hereditary neoplastic syndrome. Identifiers: Orphanet 140162, MedGen C0027672, MeSH D009386, MONDO:0015356.

Allele frequency attached by ClinVar (database versions not stated): gnomAD exomes below 0.00001.
gnomAD v4.1: 1 of 1,614,066 alleles (0.000062%); highest among the groups gnomAD compares: Non-Finnish European, 0.000085%; no homozygotes.

Submissions (3):

Ambry Genetics
Classification: Uncertain significance for Hereditary cancer-predisposing syndrome. Last evaluated: 2025-03-08. Review status: criteria provided, single submitter. Criteria: Ambry Variant Classification Scheme 2023. Collection method: clinical testing. Allele origin: germline.
Comment: The p.L355V variant (also known as c.1063T>G), located in coding exon 4 of the PALB2 gene, results from a T to G substitution at nucleotide position 1063. The leucine at codon 355 is replaced by valine, an amino acid with highly similar properties. This variant was not reported in population based cohorts in the following databases: Database of Single Nucleotide Polymorphisms (dbSNP), NHLBI Exome Sequencing Project (ESP), and 1000 Genomes Project. In the ESP, this variant was not observed in 6497 samples (12994 alleles) with coverage at this position. To date, this alteration has been detected with an allele frequency of approximately 0.0004% (greater than 225000 alleles tested) in our clinical cohort. This amino acid position is not well conserved in available vertebrate species. In addition, this alteration is predicted to be tolerated by in silico analysis. Since supporting evidence is limited at this time, the clinical significance of this alteration remains unclear.

Labcorp Genetics (formerly Invitae), Labcorp
Classification: Uncertain significance for Familial cancer of breast. Last evaluated: 2023-03-07. Review status: criteria provided, single submitter. Criteria: Invitae Variant Classification Sherloc (09022015). Collection method: clinical testing. Allele origin: germline.
Comment: In summary, the available evidence is currently insufficient to determine the role of this variant in disease. Therefore, it has been classified as a Variant of Uncertain Significance. Advanced modeling of protein sequence and biophysical properties (such as structural, functional, and spatial information, amino acid conservation, physicochemical variation, residue mobility, and thermodynamic stability) performed at Invitae indicates that this missense variant is not expected to disrupt PALB2 protein function. ClinVar contains an entry for this variant (Variation ID: 484199). This variant has not been reported in the literature in individuals affected with PALB2-related conditions. This variant is not present in population databases (gnomAD no frequency). This sequence change replaces leucine, which is neutral and non-polar, with valine, which is neutral and non-polar, at codon 355 of the PALB2 protein (p.Leu355Val).

Color Diagnostics, LLC DBA Color Health
Classification: Uncertain significance for Hereditary cancer-predisposing syndrome. Last evaluated: 2021-11-23. Review status: criteria provided, single submitter. Criteria: ACMG Guidelines, 2015. Collection method: clinical testing. Allele origin: germline.
Comment: This missense variant replaces leucine with valine at codon 355 of the PALB2 protein. Computational prediction suggests that this variant may not impact protein structure and function (internally defined REVEL score threshold <= 0.5, PMID: 27666373). To our knowledge, functional studies have not been reported for this variant. This variant has not been reported in individuals affected with hereditary cancer in the literature. This variant has not been identified in the general population by the Genome Aggregation Database (gnomAD). The available evidence is insufficient to determine the role of this variant in disease conclusively. Therefore, this variant is classified as a Variant of Uncertain Significance.

NM_024675.4(PALB2):c.1063T>G (p.Leu355Val)

Gene: PALB2 (partner and localizer of BRCA2; minus strand). Cytogenetic location: 16p12.2.
Variant type: single nucleotide variant.
Coding change: c.1063T>G on transcript NM_024675.4 (MANE Select); coding-DNA position 1063, T replaced by G.
Protein change: p.Leu355Val; replaces leucine 355 with valine.
Molecular consequence: missense variant.
Genome position (GRCh38, 1-based): chr16:23,635,483, A>C on the plus strand (T>G on the coding strand, the complement: PALB2 is on the minus strand). VCF-style: chr16-23635483-A-C. GRCh37 (hg19) VCF-style: chr16-23646804-A-C.
Other names: short protein forms L355V.
Identifiers: ClinVar variation 484199 (VCV000484199.19), dbSNP rs1555461473, ClinGen allele CA395134058.